The following is an entry in ClinVar:

ClinVar aggregate classification (germline): Uncertain significance (1 of 4 stars; one submission).

Conditions:
Intellectual developmental disorder 59. Also called: INTELLECTUAL DEVELOPMENTAL DISORDER, AUTOSOMAL DOMINANT 59; MENTAL RETARDATION, AUTOSOMAL DOMINANT 59. Identifiers: MedGen C5193190, MONDO:0032795, OMIM 618522.

Submission:

Foundation for Research in Genetics and Endocrinology, FRIGE's Institute of Human Genetics
Classification: Uncertain significance for Intellectual developmental disorder 59. Last evaluated: 2025-11-04. Review status: criteria provided, single submitter. Criteria: ACMG Guidelines, 2015. Collection method: clinical testing. Allele origin: germline. Inheritance: Autosomal dominant inheritance. Affected: yes. Observed: 1 heterozygote.
Comment: A heterozygous missense variant in exon 22 of the CAMK2G gene that results in the amino acid substitution of Alanine for Threonine at codon 556 (p.Thr556Ala) was detected. The p.Thr556Ala variant has not been reported in the 1000 genomes, gnomAD (v3.1), gnomAD (v2.1) and topmed databases. The in-silico predictions of the variant are possibly damaging by PolyPhen-2 and damaging by SIFT, LRT and CONDEL. The reference codon is conserved across species. In summary, the variant meets our criteria to be classified as a variant of uncertain significance.

NM_001367534.1(CAMK2G):c.1666A>G (p.Thr556Ala)

Gene: CAMK2G (calcium/calmodulin dependent protein kinase II gamma; minus strand). Cytogenetic location: 10q22.2.
Variant type: single nucleotide variant.
Coding change: c.1666A>G on transcript NM_001367534.1 (MANE Select); coding-DNA position 1666, A replaced by G.
Protein change: p.Thr556Ala; replaces threonine 556 with alanine.
Molecular consequence: missense variant. On other transcripts: non-coding transcript variant (8).
Genome position (GRCh38, 1-based): chr10:73,815,116, T>C on the plus strand (A>G on the coding strand, the complement: CAMK2G is on the minus strand). VCF-style: chr10-73815116-T-C. GRCh37 (hg19) VCF-style: chr10-75574874-T-C.
Other names: c.1519A>G, p.Thr507Ala (NM_001204492.2); c.1387A>G, p.Thr463Ala (NM_001222.4); c.1456A>G, p.Thr486Ala (NM_001367516.1, NM_001367517.1, NM_172170.5); c.1534A>G, p.Thr512Ala (NM_001367518.1); c.1546A>G, p.Thr516Ala (NM_001367525.1); c.1564A>G, p.Thr522Ala (NM_001367527.1); c.1420A>G, p.Thr474Ala (NM_001367530.1); c.1489A>G, p.Thr497Ala (NM_001367531.1); and 14 more; short protein forms T294A, T397A, T442A, T463A, T472A, T474A, T478A, T486A.
Identifiers: ClinVar variation 4533220 (VCV004533220.1).